The following is an entry in ClinVar:

NM_000384.3(APOB):c.1349A>G (p.Asn450Ser)

Gene: APOB (apolipoprotein B; minus strand). Cytogenetic location: 2p24.1.
Variant type: single nucleotide variant.
Coding change: c.1349A>G on transcript NM_000384.3 (MANE Select); coding-DNA position 1349, A replaced by G.
Protein change: p.Asn450Ser; replaces asparagine 450 with serine.
Molecular consequence: missense variant.
Genome position (GRCh38, 1-based): chr2:21,032,357, T>C on the plus strand (A>G on the coding strand, the complement: APOB is on the minus strand). VCF-style: chr2-21032357-T-C. GRCh37 (hg19) VCF-style: chr2-21255229-T-C.
Other names: short protein forms N450S.
Identifiers: ClinVar variation 922042 (VCV000922042.5), dbSNP rs1177893034, ClinGen allele CA345957250.

ClinVar aggregate classification (germline): Uncertain significance (1 of 4 stars; one submission).

Conditions:
Cardiovascular phenotype. Identifiers: MedGen CN230736.

Allele frequency attached by ClinVar (database versions not stated): gnomAD 0.00001.
gnomAD v4.1: 3 of 1,612,610 alleles (0.00019%); highest among the groups gnomAD compares: African/African-American, 0.0013%; no homozygotes.

Submission:

Ambry Genetics
Classification: Uncertain significance for Cardiovascular phenotype. Last evaluated: 2021-06-22. Review status: criteria provided, single submitter. Criteria: Ambry Variant Classification Scheme 2023. Collection method: clinical testing. Allele origin: germline.
Comment: The p.N450S variant (also known as c.1349A>G), located in coding exon 10 of the APOB gene, results from an A to G substitution at nucleotide position 1349. The asparagine at codon 450 is replaced by serine, an amino acid with highly similar properties. This amino acid position is conserved. In addition, this alteration is predicted to be tolerated by in silico analysis. Since supporting evidence is limited at this time, the clinical significance of this alteration remains unclear.